The following is an entry in ClinVar:

NM_001283009.2(RTEL1):c.1479G>C (p.Gln493His)

Genes: RTEL1 (regulator of telomere elongation helicase 1; plus strand), RTEL1-TNFRSF6B (RTEL1-TNFRSF6B readthrough (NMD candidate); plus strand). Cytogenetic location: 20q13.33.
Variant type: single nucleotide variant.
Coding change: c.1479G>C on transcript NM_001283009.2 (MANE Select); coding-DNA position 1479, G replaced by C.
Protein change: p.Gln493His; replaces glutamine 493 with histidine.
Molecular consequence: missense variant. On other transcripts: non-coding transcript variant (1).
Genome position (GRCh38, 1-based): chr20:63,687,768, G>C. VCF-style: chr20-63687768-G-C. GRCh37 (hg19) VCF-style: chr20-62319121-G-C.
Other names: c.810G>C, p.Gln270His (NM_001283010.1); c.1479G>C, p.Gln493His (NM_016434.4); c.1551G>C, p.Gln517His (NM_032957.5); short protein forms Q270H, Q517H, Q493H.
Identifiers: ClinVar variation 851840 (VCV000851840.12), dbSNP rs999309460, ClinGen allele CA409676432.

ClinVar aggregate classification (germline): Uncertain significance. Review status: criteria provided, multiple submitters, no conflicts (2 of 4 stars). 3 submissions from 3 submitters: Uncertain significance (2). 1 of the submissions does not count toward it. Last evaluated 2024-11-17.

Conditions:
Dyskeratosis congenita. Identifiers: Orphanet 1775, MedGen C0265965, MONDO:0015780.
Dyskeratosis congenita, autosomal recessive 5 (DKCB5). Identifiers: MedGen C3554656, MONDO:0014076, OMIM 615190.
Pulmonary fibrosis and/or bone marrow failure, Telomere-related, 3. Also called: PULMONARY FIBROSIS AND/OR BONE MARROW FAILURE SYNDROME, TELOMERE-RELATED, 3. Identifiers: Orphanet 2032, MedGen C4225346, MONDO:0014613, OMIM 616373.
Inborn genetic diseases. Identifiers: MedGen C0950123, MeSH D030342.

Submissions (3):

Ambry Genetics
Classification: Uncertain significance for Inborn genetic diseases. Last evaluated: 2024-11-17. Review status: criteria provided, single submitter. Criteria: Ambry Variant Classification Scheme 2023. Collection method: clinical testing. Allele origin: germline.
Comment: The p.Q493H variant (also known as c.1479G>C), located in coding exon 16 of the RTEL1 gene, results from a G to C substitution at nucleotide position 1479. The glutamine at codon 493 is replaced by histidine, an amino acid with highly similar properties. This amino acid position is conserved. In addition, the in silico prediction for this alteration is inconclusive. Based on the available evidence, the clinical significance of this variant remains unclear.

Labcorp Genetics (formerly Invitae), Labcorp
Classification: Uncertain significance for Dyskeratosis congenita, autosomal recessive 5; Pulmonary fibrosis and/or bone marrow failure, Telomere-related, 3. Last evaluated: 2023-05-07. Review status: criteria provided, single submitter. Criteria: Invitae Variant Classification Sherloc (09022015). Collection method: clinical testing. Allele origin: germline.
Comment: In summary, the available evidence is currently insufficient to determine the role of this variant in disease. Therefore, it has been classified as a Variant of Uncertain Significance. An algorithm developed to predict the effect of missense changes on protein structure and function (PolyPhen-2) suggests that this variant is likely to be disruptive. ClinVar contains an entry for this variant (Variation ID: 851840). This variant has not been reported in the literature in individuals affected with RTEL1-related conditions. This variant is not present in population databases (gnomAD no frequency). This sequence change replaces glutamine, which is neutral and polar, with histidine, which is basic and polar, at codon 493 of the RTEL1 protein (p.Gln493His).

Natera, Inc.
Classification: Uncertain significance for Dyskeratosis congenita. Last evaluated: 2020-09-16. Review status: no assertion criteria provided. Collection method: clinical testing. Allele origin: germline. Not counted in ClinVar's aggregate classification.